The following is an entry in ClinVar:

ClinVar aggregate classification (germline): Uncertain significance. Review status: criteria provided, multiple submitters, no conflicts (2 of 4 stars). 2 submissions from 2 submitters: Uncertain significance (2). Last evaluated 2025-06-18.

Allele frequency attached by ClinVar (database versions not stated): gnomAD 0.00003; ExAC 0.00004; TOPMed 0.00005.
gnomAD v4.1: 29 of 1,613,728 alleles (0.0018%); highest among the groups gnomAD compares: Admixed American, 0.022%; no homozygotes.

Submissions (2):

Ambry Genetics
Classification: Uncertain significance. Last evaluated: 2025-06-18. Review status: criteria provided, single submitter. Criteria: Ambry Variant Classification Scheme 2023. Collection method: clinical testing. Allele origin: germline.

Labcorp Genetics (formerly Invitae), Labcorp
Classification: Uncertain significance. Last evaluated: 2024-10-22. Review status: criteria provided, single submitter. Criteria: Invitae Variant Classification Sherloc (09022015). Collection method: clinical testing. Allele origin: germline.
Comment: This sequence change replaces alanine, which is neutral and non-polar, with threonine, which is neutral and polar, at codon 3055 of the FAT2 protein (p.Ala3055Thr). This variant is present in population databases (rs771902490, gnomAD 0.02%). This variant has not been reported in the literature in individuals affected with FAT2-related conditions. ClinVar contains an entry for this variant (Variation ID: 1909624). Invitae Evidence Modeling of protein sequence and biophysical properties (such as structural, functional, and spatial information, amino acid conservation, physicochemical variation, residue mobility, and thermodynamic stability) indicates that this missense variant is not expected to disrupt FAT2 protein function with a negative predictive value of 80%. In summary, the available evidence is currently insufficient to determine the role of this variant in disease. Therefore, it has been classified as a Variant of Uncertain Significance.

NM_001447.3(FAT2):c.9163G>A (p.Ala3055Thr)

Genes: FAT2 (FAT atypical cadherin 2; minus strand), SLC36A1 (solute carrier family 36 member 1; plus strand). Cytogenetic location: 5q33.1.
Variant type: single nucleotide variant.
Coding change: c.9163G>A on transcript NM_001447.3 (MANE Select); coding-DNA position 9163, G replaced by A.
Protein change: p.Ala3055Thr; replaces alanine 3055 with threonine.
Molecular consequence: missense variant.
Genome position (GRCh38, 1-based): chr5:151,537,823, C>T on the plus strand (G>A on the coding strand, the complement: FAT2 is on the minus strand). VCF-style: chr5-151537823-C-T. GRCh37 (hg19) VCF-style: chr5-150917384-C-T.
Other names: c.9163G>A (NM_001447.2); short protein forms A3055T.
Identifiers: ClinVar variation 1909624 (VCV001909624.6), dbSNP rs771902490, ClinGen allele CA3520647.